The following is an entry in ClinVar:

NC_012920.1(MT-ND6):m.14180T>C

Gene: MT-ND6 (mitochondrially encoded NADH dehydrogenase 6; minus strand).
Variant type: single nucleotide variant.
Genome position: chrM-14180-T-C.
Identifiers: ClinVar variation 693684 (VCV000693684.2), dbSNP rs200933339, ClinGen allele CA337099945.
Genomic context (GRCh38, chrMT:14,180, plus strand): 5'-TCATCCTAACCCTACTCCTAATCACATAACCTATTCCCCCGAGCAATCTCAATTACAATA[T>C]ATACACCAACAAACAATGTTCAACCAGTAACTACTACTAATCAACGCCCATAATCATACA-3'

ClinVar aggregate classification (germline): Benign/Likely benign. Review status: criteria provided, multiple submitters, no conflicts (2 of 4 stars). 2 submissions from 2 submitters: Benign (1); Likely benign (1). Last evaluated 2025-02-16.

Conditions:
Leigh syndrome (NULS). Also called: Leigh's necrotizing encephalopathy; Leigh's disease; Leigh's syndrome; LEIGH SYNDROME, NUCLEAR; Leigh Syndrome (mtDNA deletion); Leigh Disease. Identifiers: Orphanet 506, MedGen C2931891, MONDO:0009723, OMIM 256000.

Submissions (2):

Laboratory of Genetics, Children's Clinical University Hospital Latvia
Classification: Likely benign. Last evaluated: 2025-02-16. Review status: criteria provided, single submitter. Criteria: ACMG Guidelines, 2015. Collection method: clinical testing. Allele origin: germline. Affected: yes.

Wong Mito Lab, Molecular and Human Genetics, Baylor College of Medicine
Classification: Benign for Leigh syndrome. Last evaluated: 2019-10-17. Review status: criteria provided, single submitter. Criteria: Modified ACMG Guidelines (Unpublished). Collection method: clinical testing. Allele origin: germline.
Comment: The NC_012920.1:m.14180T>C (YP_003024037.1:p.Tyr165Cys) variant in MTND6 gene is interpretated to be a Benign variant based on the modified ACMG guidelines (unpublished). This variant meets the following evidence codes: BS1, BS2